The following is an entry in ClinVar:

NM_138420.4(AHNAK2):c.4068C>G (p.Pro1356=)

Gene: AHNAK2 (AHNAK nucleoprotein 2; minus strand). Cytogenetic location: 14q32.33.
Variant type: single nucleotide variant.
Coding change: c.4068C>G on transcript NM_138420.4 (MANE Select); coding-DNA position 4068, C replaced by G.
Protein change: p.Pro1356=; no amino-acid change (proline 1356 retained).
Molecular consequence: synonymous variant.
Genome position (GRCh38, 1-based): chr14:104,951,383, G>C on the plus strand (C>G on the coding strand, the complement: AHNAK2 is on the minus strand). VCF-style: chr14-104951383-G-C. GRCh37 (hg19) VCF-style: chr14-105417720-G-C.
Other names: c.3768C>G, p.Pro1256= (NM_001350929.2).
Identifiers: ClinVar variation 2644835 (VCV002644835.24), dbSNP rs372795558, ClinGen allele CA7382652.
Genomic context (GRCh38, chr14:104,951,383, plus strand): 5'-GAGGTCAGTGGTCTTGAGGTCCCCCTGCATGGAGGGGAGGCTCATGTCGGCCTCCACCTT[G>C]GGTGCAGACAGGTCCACGGAGGCCTCAATGGACTTGCCTGGGGCAGACACCCCGAACGAC-3'
Protein context (NP_612429.2, residues 1346-1366): SIEASVDLSA[Pro1356=]KVEADMSLPS

ClinVar aggregate classification (germline): Likely benign (1 of 4 stars; one submission).

Allele frequency attached by ClinVar (database versions not stated): ESP Exome Variant Server 0.00021; gnomAD 0.00023; 1000 Genomes Project 30x 0.00047.
gnomAD v4.1: 304 of 1,072,992 alleles (0.028%); highest among the groups gnomAD compares: Non-Finnish European, 0.034%; 116 homozygotes.

Submission:

CeGaT Center for Human Genetics Tuebingen
Classification: Likely benign. Last evaluated: 2023-07-01. Review status: criteria provided, single submitter. Criteria: CeGaT Center For Human Genetics Tuebingen Variant Classification Criteria Version 2. Collection method: clinical testing. Allele origin: germline. Affected: yes. Observed: 1 variant allele.
Comment: AHNAK2: BP4, BP7, BS2